The following is an entry in ClinVar:

ClinVar aggregate classification (germline): Uncertain significance (1 of 4 stars; one submission).

Submission:

GeneDx
Classification: Uncertain significance. Last evaluated: 2025-05-13. Review status: criteria provided, single submitter. Criteria: GeneDx Variant Classification Process June 2021. Collection method: clinical testing. Allele origin: germline. Affected: yes.
Comment: Not observed at significant frequency in large population cohorts (gnomAD); In silico analysis suggests that this missense variant does not alter protein structure/function; Has not been previously published as pathogenic or benign to our knowledge

NM_139058.3(ARX):c.1480G>C (p.Ala494Pro)

Gene: ARX (aristaless related homeobox; minus strand). Cytogenetic location: Xp21.3.
Variant type: single nucleotide variant.
Coding change: c.1480G>C on transcript NM_139058.3 (MANE Select); coding-DNA position 1480, G replaced by C.
Protein change: p.Ala494Pro; replaces alanine 494 with proline.
Molecular consequence: missense variant.
Genome position (GRCh38, 1-based): chrX:25,004,879, C>G on the plus strand (G>C on the coding strand, the complement: ARX is on the minus strand). VCF-style: chrX-25004879-C-G. GRCh37 (hg19) VCF-style: chrX-25022996-C-G.
Other names: short protein forms A494P.
Identifiers: ClinVar variation 4529926 (VCV004529926.1).
Genomic context (GRCh38, chrX:25,004,879, plus strand): 5'-ATGCCACTGCGCCCTCCACGGCGGGTGTGGGCTGTCTCAGGAGCGCGGCCGCGGTCGACG[C>G]GCTGGTCAGGGGGGCCATTGTGGAAAAGAGCCTGCAGGGAGAGCAAACAGCGCGGTCATG-3'
Protein context (NP_620689.1, residues 484-504): LFSTMAPLTS[Ala494Pro]STAAALLRQP